The following is an entry in ClinVar:

NM_000051.4(ATM):c.4741dup (p.Ile1581fs)

Gene: ATM (ATM serine/threonine kinase; plus strand). Cytogenetic location: 11q22.3.
Variant type: Duplication.
Coding change: c.4741dup on transcript NM_000051.4 (MANE Select); coding-DNA position 4741, one base duplicated (A; older notation c.4741dupA).
Protein change: p.Ile1581fs; shifts the reading frame from isoleucine 1581.
Molecular consequence: frameshift variant.
Genome position (GRCh38, 1-based): chr11:108,293,442, A duplicated; the last of 6 consecutive A bases (chr11:108,293,437-108,293,442); duplicating any one gives the same sequence. VCF-style (leftmost placement, unchanged base first): chr11-108293436-C-CA. GRCh37 (hg19) VCF-style: chr11-108164163-C-CA.
Other names: c.4741dupA (NM_000051.3, NM_000051.4); c.4741dup, p.Ile1581fs (NM_001351834.2); short protein forms I1581fs.
Identifiers: ClinVar variation 453535 (VCV000453535.32), dbSNP rs864622164, ClinGen allele CA349467.

ClinVar aggregate classification (germline): Pathogenic/Likely pathogenic. Review status: criteria provided, multiple submitters, no conflicts (2 of 4 stars). 11 submissions from 11 submitters: Pathogenic (8); Likely pathogenic (3). Last evaluated 2025-08-31.

Conditions:
ATM-related disorder. Also called: ATM-related disorders; ATM-related condition.
Hereditary cancer-predisposing syndrome. Also called: Neoplastic Syndromes, Hereditary; Hereditary Cancer Syndrome; Tumor predisposition; Hereditary neoplastic syndrome. Identifiers: Orphanet 140162, MedGen C0027672, MeSH D009386, MONDO:0015356.
Familial cancer of breast. Also called: Hereditary breast cancer; BREAST CANCER, FAMILIAL; hereditary breast carcinoma. Identifiers: Orphanet 227535, MedGen C0346153, MONDO:0016419, OMIM 114480. Disease mechanism: loss of function.
Ataxia-telangiectasia syndrome (AT). Also called: LOUIS-BAR SYNDROME; Cerebello-oculocutaneous telangiectasia; Immunodeficiency with ataxia telangiectasia; Ataxia-telangiectasia, complementation group D; AT, COMPLEMENTATION GROUP C; Ataxia-telangiectasia, complementation group E. Identifiers: Orphanet 100, MedGen C0004135, MONDO:0008840, OMIM 208900.

Submissions (11):

Natera, Inc.
Classification: Likely pathogenic for Ataxia-telangiectasia. Last evaluated: 2025-08-31. Review status: criteria provided, single submitter. Criteria: Natera Variant Classification Schema (03/2026). Collection method: clinical testing. Allele origin: germline.
Comment: The c.4741dupA variant in ATM is a frameshift variant predicted to shift the reading frame beginning at codon 1581 and leads to a stop codon 5 codons downstream. This variant is expected to result in nonsense mediated decay, truncation, or a dysfunctional protein product. This variant is rare in the general population with a frequency below the threshold expected for the associated phenotype(s). Given the available evidence, this variant is classified as Likely Pathogenic.

Ambry Genetics
Classification: Pathogenic for Hereditary cancer-predisposing syndrome. Last evaluated: 2025-06-24. Review status: criteria provided, single submitter. Criteria: Ambry Variant Classification Scheme 2023. Collection method: clinical testing. Allele origin: germline.
Comment: The c.4741dupA pathogenic mutation, located in coding exon 30 of the ATM gene, results from a duplication of A at nucleotide position 4741, causing a translational frameshift with a predicted alternate stop codon (p.I1581Nfs*5). This variant is considered to be rare based on population cohorts in the Genome Aggregation Database (gnomAD). This alteration is expected to result in loss of function by premature protein truncation or nonsense-mediated mRNA decay. As such, this alteration is interpreted as a disease-causing mutation.

Color Diagnostics, LLC DBA Color Health
Classification: Pathogenic for Hereditary cancer-predisposing syndrome. Last evaluated: 2025-06-09. Review status: criteria provided, single submitter. Criteria: ACMG Guidelines, 2015. Collection method: clinical testing. Allele origin: germline.
Comment: This variant inserts 1 nucleotide in exon 31 of the ATM gene, creating a frameshift and premature translation stop signal. This variant is expected to result in an absent or non-functional protein product. This variant has been reported in an individual affected with bilateral breast cancer (PMID: 35155181). This variant has not been identified in the general population by the Genome Aggregation Database (gnomAD). Loss of ATM function is a known mechanism of disease. Based on the available evidence, this variant is classified as Pathogenic.

Molecular Pathology, Peter Maccallum Cancer Centre
Classification: Pathogenic for Ataxia-telangiectasia syndrome. Last evaluated: 2025-03-25. Review status: criteria provided, single submitter. Criteria: ACMG Guidelines, 2015. Collection method: clinical testing. Allele origin: germline. Inheritance: Autosomal recessive inheritance.

Labcorp Genetics (formerly Invitae), Labcorp
Classification: Pathogenic for Ataxia-telangiectasia syndrome. Last evaluated: 2025-03-09. Review status: criteria provided, single submitter. Criteria: Invitae Variant Classification Sherloc (09022015). Collection method: clinical testing. Allele origin: germline.
Comment: This sequence change creates a premature translational stop signal (p.Ile1581Asnfs*5) in the ATM gene. It is expected to result in an absent or disrupted protein product. Loss-of-function variants in ATM are known to be pathogenic (PMID: 23807571, 25614872). This variant is not present in population databases (gnomAD no frequency). This premature translational stop signal has been observed in individual(s) with colorectal cancer (PMID: 24951259). ClinVar contains an entry for this variant (Variation ID: 453535). For these reasons, this variant has been classified as Pathogenic.

Baylor Genetics
Classification: Pathogenic for Familial cancer of breast. Last evaluated: 2024-03-05. Review status: criteria provided, single submitter. Criteria: ACMG Guidelines, 2015. Collection method: clinical testing. Allele origin: unknown.

Myriad Genetics, Inc.
Classification: Pathogenic for Familial cancer of breast. Last evaluated: 2024-01-24. Review status: criteria provided, single submitter. Criteria: Myriad Autosomal Dominant, Autosomal Recessive and X-Linked Classification Criteria (2023). Collection method: clinical testing. Allele origin: unknown.
Comment: This variant is considered pathogenic. This variant creates a frameshift predicted to result in premature protein truncation.

Blueprint Genetics
Classification: Likely pathogenic for ATM-related disorders. Last evaluated: 2022-07-13. Review status: criteria provided, single submitter. Criteria: ACMG Guidelines, 2015. Collection method: clinical testing. Allele origin: germline. Affected: yes. Observed: 1 variant allele.

MGZ Medical Genetics Center
Classification: Pathogenic for Ataxia-telangiectasia syndrome. Last evaluated: 2021-11-04. Review status: criteria provided, single submitter. Criteria: ACMG Guidelines, 2015. Collection method: clinical testing. Allele origin: germline. Affected: yes. Observed: 1 variant allele.
Comment: ACMG criteria applied: PVS1, PM3, PS4_SUP, PM2_SUP

Mayo Clinic Laboratories, Mayo Clinic
Classification: Likely pathogenic. Last evaluated: 2020-04-17. Review status: criteria provided, single submitter. Criteria: ACMG Guidelines, 2015. Collection method: clinical testing. Allele origin: germline. Observed: 1 variant allele.
Comment: PVS1, PM2

GeneDx
Classification: Pathogenic. Last evaluated: 2017-10-11. Review status: criteria provided, single submitter. Criteria: GeneDx Variant Classification (06012015). Collection method: clinical testing. Allele origin: germline. Affected: yes.
Comment: This duplication of one nucleotide in ATM is denoted c.4741dupA at the cDNA level and p.Ile1581AsnfsX5 (I1581NfsX5) at the protein level. Using alternate nomenclature, this variant has previously been reported as ATM c.47356_4736insA. The normal sequence, with the base that is duplicated in brackets, is CAAAAA[dupA]TCAA. The duplication causes a frameshift which changes an Isoleucine to an Asparagine at codon 1581, and creates a premature stop codon at position 5 of the new reading frame. Although this variant has not, to our knowledge, been reported as a germline variant, it has been reported as a somatic variant in a colorectal tumor (Yu 2015). Based on current evidence, we consider this variant to be pathogenic.

Literature cited by the submitters: PubMed 35155181 (cited by Color Diagnostics, LLC DBA Color Health); PubMed 23807571 (cited by Labcorp Genetics (formerly Invitae), Labcorp); PubMed 25614872 (cited by Labcorp Genetics (formerly Invitae), Labcorp); PubMed 24951259 (cited by Labcorp Genetics (formerly Invitae), Labcorp).